The following is an entry in ClinVar:

ClinVar aggregate classification (germline): Conflicting classifications of pathogenicity. Review status: criteria provided, conflicting classifications (1 of 4 stars). 5 submissions from 4 submitters: Uncertain significance (1); Benign (1); Likely benign (3). Last evaluated 2025-12-23.

Conditions:
Autosomal recessive spinocerebellar ataxia 14. Also called: CEREBELLAR ATAXIA, AUTOSOMAL RECESSIVE, SPECTRIN-ASSOCIATED, 1. Identifiers: Orphanet 352403, MedGen C4706415, MONDO:0014159, OMIM 615386.
Spinocerebellar ataxia type 5 (SCA5). Identifiers: Orphanet 98766, MedGen C0752123, MONDO:0010848, OMIM 600224.

Allele frequency attached by ClinVar (database versions not stated): 1000 Genomes Project 30x 0.00031; 1000 Genomes Project 0.00040; ExAC 0.00080; gnomAD 0.00098 and 0.00099; gnomAD exomes 0.00100 and 0.00135; TOPMed 0.00111; ESP Exome Variant Server 0.00131.
gnomAD v4.1: 2,117 of 1,602,196 alleles (0.13%); highest among the groups gnomAD compares: Non-Finnish European, 0.16%; no homozygotes.

Submissions (5):

Labcorp Genetics (formerly Invitae), Labcorp
Classification: Likely benign. Last evaluated: 2025-12-23. Review status: criteria provided, single submitter. Criteria: Invitae Variant Classification Sherloc (09022015). Collection method: clinical testing. Allele origin: germline.

Women's Health and Genetics/Laboratory Corporation of America, LabCorp
Classification: Likely benign. Last evaluated: 2025-10-15. Review status: criteria provided, single submitter. Criteria: LabCorp Variant Classification Summary - May 2015. Collection method: clinical testing. Allele origin: germline.

Blueprint Genetics
Classification: Likely benign. Last evaluated: 2024-10-24. Review status: criteria provided, single submitter. Criteria: ACMG Guidelines, 2015. Collection method: clinical testing. Allele origin: germline.

Illumina Laboratory Services, Illumina
Classification: Uncertain significance for Autosomal recessive spinocerebellar ataxia 14. Last evaluated: 2018-01-13. Review status: criteria provided, single submitter. Criteria: ICSL Variant Classification Criteria 13 December 2019. Collection method: clinical testing. Allele origin: germline.

Illumina Laboratory Services, Illumina
Classification: Benign for Spinocerebellar ataxia type 5. Last evaluated: 2018-01-13. Review status: criteria provided, single submitter. Criteria: ICSL Variant Classification Criteria 13 December 2019. Collection method: clinical testing. Allele origin: germline.
Comment: This variant was observed in the ICSL laboratory as part of a predisposition screen in an ostensibly healthy population. It had not been previously curated by ICSL or reported in the Human Gene Mutation Database (HGMD: prior to June 1st, 2018), and was therefore a candidate for classification through an automated scoring system. Utilizing variant allele frequency, disease prevalence and penetrance estimates, and inheritance mode, an automated score was calculated to assess if this variant is too frequent to cause the disease. Based on the score and internal cut-off values, a variant classified as benign is not then subjected to further curation. The score for this variant resulted in a classification of benign for this disease.

NM_006946.4(SPTBN2):c.4985+12G>A

Gene: SPTBN2 (spectrin beta, non-erythrocytic 2; minus strand). Cytogenetic location: 11q13.2.
Variant type: single nucleotide variant.
Coding change: c.4985+12G>A on transcript NM_006946.4 (MANE Select); 12 bases into the intron after coding-DNA position 4985, G replaced by A.
Molecular consequence: intron variant.
Genome position (GRCh38, 1-based): chr11:66,692,958, C>T on the plus strand (G>A on the coding strand, the complement: SPTBN2 is on the minus strand). VCF-style: chr11-66692958-C-T. GRCh37 (hg19) VCF-style: chr11-66460429-C-T.
Identifiers: ClinVar variation 305551 (VCV000305551.14), dbSNP rs199692345, ClinGen allele CA6128421.
Genomic context (GRCh38, chr11:66,692,958, plus strand): 5'-ACATTCCCTGCACCTTCCTGTTCCTGCAGCCGGCTCCACCCCCAGGCTGGGCCGGGCTGC[C>T]GCTGCACCCACCTCTCTGGGTGCTCGTGGTCAATCATGTCCTGGCTGCTGGCCGCCAGCT-3'